The following is an entry in ClinVar:

ClinVar aggregate classification (germline): Uncertain significance (1 of 4 stars; one submission).

gnomAD v4.1: 7 of 1,614,202 alleles (0.00043%); highest among the groups gnomAD compares: Non-Finnish European, 0.00059%; no homozygotes.

Submission:

Labcorp Genetics (formerly Invitae), Labcorp
Classification: Uncertain significance. Last evaluated: 2022-08-23. Review status: criteria provided, single submitter. Criteria: Invitae Variant Classification Sherloc (09022015). Collection method: clinical testing. Allele origin: germline.
Comment: In summary, the available evidence is currently insufficient to determine the role of this variant in disease. Therefore, it has been classified as a Variant of Uncertain Significance. Algorithms developed to predict the effect of missense changes on protein structure and function are either unavailable or do not agree on the potential impact of this missense change (SIFT: "Deleterious"; PolyPhen-2: "Benign"; Align-GVGD: "Class C0"). This variant has not been reported in the literature in individuals affected with MMP14-related conditions. This variant is present in population databases (rs779266784, gnomAD 0.0009%). This sequence change replaces glycine, which is neutral and non-polar, with arginine, which is basic and polar, at codon 517 of the MMP14 protein (p.Gly517Arg).

NM_004995.4(MMP14):c.1549G>C (p.Gly517Arg)

Gene: MMP14 (matrix metallopeptidase 14; plus strand). Cytogenetic location: 14q11.2.
Variant type: single nucleotide variant.
Coding change: c.1549G>C on transcript NM_004995.4 (MANE Select); coding-DNA position 1549, G replaced by C.
Protein change: p.Gly517Arg; replaces glycine 517 with arginine.
Molecular consequence: missense variant.
Genome position (GRCh38, 1-based): chr14:22,845,839, G>C. VCF-style: chr14-22845839-G-C. GRCh37 (hg19) VCF-style: chr14-23315048-G-C.
Other names: short protein forms G517R.
Identifiers: ClinVar variation 2071085 (VCV002071085.4), dbSNP rs779266784, ClinGen allele CA7105505.